The following is an entry in ClinVar:

ClinVar aggregate classification (germline): Pathogenic (1 of 4 stars; one submission).

Conditions:
Megaconial type congenital muscular dystrophy (MDCMC). Also called: MUSCULAR DYSTROPHY, CONGENITAL, WITH MITOCHONDRIAL STRUCTURAL ABNORMALITIES; CHKB-Related Muscular Dystrophy; CHKB-Related Muscle Diseases. Identifiers: Orphanet 280671, MedGen C1865233, MONDO:0011246, OMIM 602541.

Submission:

Pars Genome Lab
Classification: Pathogenic for Megaconial type congenital muscular dystrophy. Last evaluated: 2021-07-26. Review status: criteria provided, single submitter. Criteria: ACMG Guidelines, 2015. Collection method: clinical testing. Allele origin: germline. Inheritance: Autosomal recessive inheritance. Affected: yes.

NM_005198.5(CHKB):c.737-1G>C

Genes: CHKB-CPT1B (CHKB-CPT1B readthrough (NMD candidate); minus strand), CHKB (choline kinase beta; minus strand). Cytogenetic location: 22q13.33.
Variant type: single nucleotide variant.
Coding change: c.737-1G>C on transcript NM_005198.5 (MANE Select); the canonical splice acceptor site of the intron before coding-DNA position 737, G replaced by C.
Molecular consequence: splice acceptor variant.
Genome position (GRCh38, 1-based): chr22:50,580,272, C>G on the plus strand (G>C on the coding strand, the complement: CHKB is on the minus strand). VCF-style: chr22-50580272-C-G. GRCh37 (hg19) VCF-style: chr22-51018701-C-G.
Identifiers: ClinVar variation 1184623 (VCV001184623.2), dbSNP rs2146653379, ClinGen allele CA412198533.